The following is an entry in ClinVar:

ClinVar aggregate classification (germline): Uncertain significance (1 of 4 stars; one submission).

Conditions:
Glycine encephalopathy. Also called: Nonketotic hyperglycinemia; Non-ketotic hyperglycinemia. Identifiers: Orphanet 407, MedGen C0751748, MONDO:0011612, HP:0008288.

gnomAD v4.1: 1 of 1,613,022 alleles (0.000062%); highest among the groups gnomAD compares: Admixed American, 0.0017%; no homozygotes.

Submission:

Labcorp Genetics (formerly Invitae), Labcorp
Classification: Uncertain significance for Glycine encephalopathy. Last evaluated: 2022-06-18. Review status: criteria provided, single submitter. Criteria: Invitae Variant Classification Sherloc (09022015). Collection method: clinical testing. Allele origin: germline.
Comment: This sequence change falls in intron 5 of the AMT gene. It does not directly change the encoded amino acid sequence of the AMT protein. This variant is not present in population databases (gnomAD no frequency). This variant has not been reported in the literature in individuals affected with AMT-related conditions. Algorithms developed to predict the effect of sequence changes on RNA splicing suggest that this variant may disrupt the consensus splice site. In summary, the available evidence is currently insufficient to determine the role of this variant in disease. Therefore, it has been classified as a Variant of Uncertain Significance.

NM_000481.4(AMT):c.551-18C>G

Gene: AMT (aminomethyltransferase; minus strand). Cytogenetic location: 3p21.31.
Variant type: single nucleotide variant.
Coding change: c.551-18C>G on transcript NM_000481.4 (MANE Select); 18 bases into the intron before coding-DNA position 551, C replaced by G.
Molecular consequence: intron variant.
Genome position (GRCh38, 1-based): chr3:49,419,423, G>C on the plus strand (C>G on the coding strand, the complement: AMT is on the minus strand). VCF-style: chr3-49419423-G-C. GRCh37 (hg19) VCF-style: chr3-49456856-G-C.
Other names: c.383-18C>G (NM_001164711.2); c.419-18C>G (NM_001164710.2); c.551-18C>G (NM_001164712.2).
Identifiers: ClinVar variation 2008062 (VCV002008062.1), dbSNP rs1214221803, ClinGen allele CA2580070117.